The following is an entry in ClinVar:

ClinVar aggregate classification (germline): Uncertain significance. Review status: criteria provided, multiple submitters, no conflicts (2 of 4 stars). 2 submissions from 2 submitters: Uncertain significance (2). Last evaluated 2025-04-24.

Conditions:
Hereditary cancer-predisposing syndrome. Also called: Hereditary Cancer Syndrome; Neoplastic Syndromes, Hereditary; Tumor predisposition; Hereditary neoplastic syndrome. Identifiers: Orphanet 140162, MedGen C0027672, MeSH D009386, MONDO:0015356.

Allele frequency attached by ClinVar (database versions not stated): gnomAD 0.00001.

Submissions (2):

Ambry Genetics
Classification: Uncertain significance for Hereditary cancer-predisposing syndrome. Last evaluated: 2025-04-24. Review status: criteria provided, single submitter. Criteria: Ambry Variant Classification Scheme 2023. Collection method: clinical testing. Allele origin: germline.
Comment: The p.M164I variant (also known as c.492G>C), located in coding exon 4 of the FH gene, results from a G to C substitution at nucleotide position 492. The methionine at codon 164 is replaced by isoleucine, an amino acid with highly similar properties. This amino acid position is not well conserved in available vertebrate species, and isoleucine is the reference amino acid in other vertebrate species. In addition, the in silico prediction for this alteration is inconclusive. Since supporting evidence is limited at this time, the clinical significance of this alteration remains unclear.

Labcorp Genetics (formerly Invitae), Labcorp
Classification: Uncertain significance. Last evaluated: 2022-04-11. Review status: criteria provided, single submitter. Criteria: Invitae Variant Classification Sherloc (09022015). Collection method: clinical testing. Allele origin: germline.
Comment: This variant has not been reported in the literature in individuals affected with FH-related conditions. ClinVar contains an entry for this variant (Variation ID: 1024082). Advanced modeling of protein sequence and biophysical properties (such as structural, functional, and spatial information, amino acid conservation, physicochemical variation, residue mobility, and thermodynamic stability) performed at Invitae indicates that this missense variant is not expected to disrupt FH protein function. In summary, the available evidence is currently insufficient to determine the role of this variant in disease. Therefore, it has been classified as a Variant of Uncertain Significance. This variant is present in population databases (no rsID available, gnomAD 0.0009%). This sequence change replaces methionine, which is neutral and non-polar, with isoleucine, which is neutral and non-polar, at codon 164 of the FH protein (p.Met164Ile).

NM_000143.4(FH):c.492G>C (p.Met164Ile)

Gene: FH (fumarate hydratase; minus strand). Cytogenetic location: 1q43.
Variant type: single nucleotide variant.
Coding change: c.492G>C on transcript NM_000143.4 (MANE Select); coding-DNA position 492, G replaced by C.
Protein change: p.Met164Ile; replaces methionine 164 with isoleucine.
Molecular consequence: missense variant.
Genome position (GRCh38, 1-based): chr1:241,512,030, C>G on the plus strand (G>C on the coding strand, the complement: FH is on the minus strand). VCF-style: chr1-241512030-C-G. GRCh37 (hg19) VCF-style: chr1-241675330-C-G.
Other names: short protein forms M164I.
Identifiers: ClinVar variation 1024082 (VCV001024082.13), dbSNP rs1370195868, ClinGen allele CA345439981.